The following is an entry in ClinVar:

NM_001372078.1(REV3L):c.6220_6221del (p.Gln2074fs)

Gene: REV3L (REV3 like, DNA directed polymerase zeta catalytic subunit; minus strand). Cytogenetic location: 6q21.
Variant type: Deletion.
Coding change: c.6220_6221del on transcript NM_001372078.1 (MANE Select); coding-DNA positions 6220 to 6221, 2 bases deleted (CA; older notation c.6220_6221delCA).
Protein change: p.Gln2074fs; shifts the reading frame from glutamine 2074.
Molecular consequence: frameshift variant.
Genome position (GRCh38, 1-based): chr6:111,367,567-111,367,568, TG deleted on the plus strand (CA on the coding strand, the reverse complement: REV3L is on the minus strand). VCF-style (leftmost placement, unchanged base first): chr6-111367566-CTG-C. GRCh37 (hg19) VCF-style: chr6-111688769-CTG-C.
Other names: c.5986_5987del, p.Gln1996fs (NM_001286431.2, NM_001286432.2); c.6220_6221del, p.Gln2074fs (NM_002912.5); short protein forms Q1996fs, Q2074fs.
Identifiers: ClinVar variation 1072419 (VCV001072419.7), dbSNP rs2115032171, ClinGen allele CA2499218032.

ClinVar aggregate classification (germline): Pathogenic (1 of 4 stars; one submission).

Submission:

Labcorp Genetics (formerly Invitae), Labcorp
Classification: Pathogenic. Last evaluated: 2018-06-28. Review status: criteria provided, single submitter. Criteria: Invitae Variant Classification Sherloc (09022015). Collection method: clinical testing. Allele origin: germline.
Comment: For these reasons, this variant has been classified as Pathogenic. Loss-of-function variants in REV3L are known to be pathogenic (PMID: 26068067). This variant has not been reported in the literature in individuals with REV3L-related disease. This variant is not present in population databases (ExAC no frequency). This sequence change creates a premature translational stop signal (p.Gln2074Aspfs*11) in the REV3L gene. It is expected to result in an absent or disrupted protein product.

Literature cited by the submitters: PubMed 26068067.